The following is an entry in ClinVar:

NM_001164508.2(NEB):c.1782+4_1782+5del

Gene: NEB (nebulin; minus strand). Cytogenetic location: 2q23.3.
Variant type: Deletion.
Coding change: c.1782+4_1782+5del on transcript NM_001164508.2 (MANE Select); bases 4 to 5 of the intron after coding-DNA position 1782, 2 bases deleted (AG; older notation c.1782+4_1782+5delAG).
Molecular consequence: intron variant.
Genome position (GRCh38, 1-based): chr2:151,694,517-151,694,518, CT deleted on the plus strand (AG on the coding strand, the reverse complement: NEB is on the minus strand); deleting any 2 consecutive bases within chr2:151,694,517-151,694,519 gives the same sequence; the c. name uses the placement nearest the transcript's 3' end. VCF-style (leftmost placement, unchanged base first): chr2-151694516-ACT-A. GRCh37 (hg19) VCF-style: chr2-152551030-ACT-A.
Other names: c.1782+4_1782+5del (NM_004543.5, NM_001164507.2, NM_001271208.2).
Identifiers: ClinVar variation 95117 (VCV000095117.6), dbSNP rs398124168, ClinGen allele CA222739.

ClinVar aggregate classification (germline): Uncertain significance. Review status: criteria provided, multiple submitters, no conflicts (2 of 4 stars). 3 submissions from 3 submitters: Uncertain significance (3). Last evaluated 2017-07-24.

Conditions:
Nemaline myopathy 2 (NEM2). Also called: Nemaline myopathy 2, autosomal recessive. Identifiers: MedGen C1850569, MONDO:0009725, OMIM 256030.

Submissions (3):

Labcorp Genetics (formerly Invitae), Labcorp
Classification: Uncertain significance for Nemaline myopathy 2. Last evaluated: 2017-07-24. Review status: criteria provided, single submitter. Criteria: Invitae Variant Classification Sherloc (09022015). Collection method: clinical testing. Allele origin: germline.
Comment: This sequence change falls in intron 19 of the NEB gene. It does not directly change the encoded amino acid sequence of the NEB protein, but it affects a nucleotide within the consensus splice site of the intron. This variant is not present in population databases (ExAC no frequency). This variant has been reported in an individual affected with nemaline myopathy (PMID: 27854218). ClinVar contains an entry for this variant (Variation ID: 95117). Nucleotide substitutions within the consensus splice site are relatively common causes of aberrant splicing (PMID: 17576681, 9536098). Algorithms developed to predict the effect of sequence changes on RNA splicing suggest that this variant may disrupt the consensus splice site, but this prediction has not been confirmed by published transcriptional studies. In summary, the available evidence is currently insufficient to determine the role of this variant in disease. Therefore, it has been classified as a Variant of Uncertain Significance.

Center for Genetic Medicine Research, Children's National Medical Center
Classification: Uncertain significance. Last evaluated: 2015-12-01. Review status: criteria provided, single submitter. Criteria: Punetha et al. (J Neuromuscul Dis. 2016). Collection method: research. Allele origin: unknown.

Eurofins Ntd Llc (ga)
Classification: Uncertain significance. Last evaluated: 2013-11-14. Review status: criteria provided, single submitter. Criteria: EGL Classification Definitions 2015. Collection method: clinical testing. Allele origin: germline. Observed: 2 variant alleles, 2 heterozygotes.